The following is an entry in ClinVar:

ClinVar aggregate classification (germline): Likely benign (1 of 4 stars; one submission).

Allele frequency attached by ClinVar (database versions not stated): 1000 Genomes Project 0.00120; 1000 Genomes Project 30x 0.00141; TOPMed 0.00206; ESP Exome Variant Server 0.00346.
gnomAD v4.1: 5,081 of 1,614,134 alleles (0.31%); highest among the groups gnomAD compares: Non-Finnish European, 0.38%; 8 homozygotes.

Submission:

CeGaT Center for Human Genetics Tuebingen
Classification: Likely benign. Last evaluated: 2022-08-01. Review status: criteria provided, single submitter. Criteria: CeGaT Center For Human Genetics Tuebingen Variant Classification Criteria Version 2. Collection method: clinical testing. Allele origin: germline. Affected: yes. Observed: 1 variant allele.
Comment: TIAM2: BP4, BP7

NM_012454.4(TIAM2):c.2268G>A (p.Gln756=)

Gene: TIAM2 (TIAM Rac1 associated GEF 2; plus strand). Cytogenetic location: 6q25.2.
Variant type: single nucleotide variant.
Coding change: c.2268G>A on transcript NM_012454.4 (MANE Select); coding-DNA position 2268, G replaced by A.
Protein change: p.Gln756=; no amino-acid change (glutamine 756 retained).
Molecular consequence: synonymous variant.
Genome position (GRCh38, 1-based): chr6:155,165,316, G>A. VCF-style: chr6-155165316-G-A. GRCh37 (hg19) VCF-style: chr6-155486450-G-A.
Other names: c.2268G>A, p.Gln756= (NM_001384546.1, NM_001384547.1).
Identifiers: ClinVar variation 2657045 (VCV002657045.24), dbSNP rs117029710, ClinGen allele CA4064366.